The following is an entry in ClinVar:

NM_002746.3(MAPK3):c.967G>A (p.Glu323Lys)

Gene: MAPK3 (mitogen-activated protein kinase 3; minus strand). Cytogenetic location: 16p11.2.
Variant type: single nucleotide variant.
Coding change: c.967G>A on transcript NM_002746.3 (MANE Select); coding-DNA position 967, G replaced by A.
Protein change: p.Glu323Lys; replaces glutamic acid 323 with lysine.
Molecular consequence: missense variant.
Genome position (GRCh38, 1-based): chr16:30,116,944, C>T on the plus strand (G>A on the coding strand, the complement: MAPK3 is on the minus strand). VCF-style: chr16-30116944-C-T. GRCh37 (hg19) VCF-style: chr16-30128265-C-T.
Other names: c.967G>A, p.Glu323Lys (NM_001040056.3); c.835G>A, p.Glu279Lys (NM_001109891.2); short protein forms E279K, E323K.
Identifiers: ClinVar variation 718814 (VCV000718814.6), dbSNP rs55859133, ClinGen allele CA8002720.

ClinVar aggregate classification (germline): Likely benign. Review status: criteria provided, single submitter (1 of 4 stars). 2 submissions from 2 submitters: Likely benign (1). 1 of the submissions does not count toward it. Last evaluated 2019-12-31.

Conditions:
MAPK3-related disorder. Also called: MAPK3-related condition.

Allele frequency attached by ClinVar (database versions not stated): 1000 Genomes Project 0.00060; 1000 Genomes Project 30x 0.00062; ESP Exome Variant Server 0.00092; TOPMed 0.00098; gnomAD 0.00139 and 0.00143; gnomAD exomes 0.00171 and 0.00172; ExAC 0.00203.
gnomAD v4.1: 2,703 of 1,613,754 alleles (0.17%); highest among the groups gnomAD compares: Non-Finnish European, 0.18%; 6 homozygotes.

Submissions (2):

Labcorp Genetics (formerly Invitae), Labcorp
Classification: Likely benign. Last evaluated: 2019-12-31. Review status: criteria provided, single submitter. Criteria: Invitae Variant Classification Sherloc (09022015). Collection method: clinical testing. Allele origin: germline.

PreventionGenetics, part of Exact Sciences
Classification: Likely benign for MAPK3-related condition. Last evaluated: 2019-08-21. Review status: no assertion criteria provided. Collection method: clinical testing. Allele origin: germline. Not counted in ClinVar's aggregate classification.
Comment: This variant is classified as likely benign based on ACMG/AMP sequence variant interpretation guidelines (Richards et al. 2015 PMID: 25741868, with internal and published modifications).